The following is an entry in ClinVar:

ClinVar aggregate classification (germline): Likely benign. Review status: criteria provided, multiple submitters, no conflicts (2 of 4 stars). 2 submissions from 2 submitters: Likely benign (2). Last evaluated 2025-01-13.

Conditions:
HACE1-related disorder. Also called: HACE1-related condition.

Allele frequency attached by ClinVar (database versions not stated): TOPMed 0.00003; ExAC 0.00004; gnomAD exomes 0.00004 and 0.00013; gnomAD 0.00005; ESP Exome Variant Server 0.00031.
gnomAD v4.1: 188 of 1,613,734 alleles (0.012%); highest among the groups gnomAD compares: Non-Finnish European, 0.016%; 1 homozygote.

Submissions (2):

Labcorp Genetics (formerly Invitae), Labcorp
Classification: Likely benign. Last evaluated: 2025-01-13. Review status: criteria provided, single submitter. Criteria: Invitae Variant Classification Sherloc (09022015). Collection method: clinical testing. Allele origin: germline.

PreventionGenetics, part of Exact Sciences
Classification: Likely benign for HACE1-related condition. Last evaluated: 2024-12-12. Review status: criteria provided, single submitter. Criteria: ACMG Guidelines, 2015. Collection method: clinical testing. Allele origin: germline.
Comment: This variant is classified as likely benign based on ACMG/AMP sequence variant interpretation guidelines (Richards et al. 2015 PMID: 25741868, with internal and published modifications).

NM_020771.4(HACE1):c.1626A>G (p.Ser542=)

Gene: HACE1 (HECT domain and ankyrin repeat containing E3 ubiquitin protein ligase 1; minus strand). Cytogenetic location: 6q16.3.
Variant type: single nucleotide variant.
Coding change: c.1626A>G on transcript NM_020771.4 (MANE Select); coding-DNA position 1626, A replaced by G.
Protein change: p.Ser542=; no amino-acid change (serine 542 retained).
Molecular consequence: synonymous variant. On other transcripts: non-coding transcript variant (7).
Genome position (GRCh38, 1-based): chr6:104,777,258, T>C on the plus strand (A>G on the coding strand, the complement: HACE1 is on the minus strand). VCF-style: chr6-104777258-T-C. GRCh37 (hg19) VCF-style: chr6-105225133-T-C.
Other names: c.1494A>G, p.Ser498= (NM_001321080.2); c.1524A>G, p.Ser508= (NM_001321083.2); c.1122A>G, p.Ser374= (NM_001321084.2, NM_001350557.2, NM_001350558.2); c.1392A>G, p.Ser464= (NM_001350554.2); c.1335A>G, p.Ser445= (NM_001350555.2); c.1140A>G, p.Ser380= (NM_001350556.2); c.1044A>G, p.Ser348= (NM_001350559.2); c.843A>G, p.Ser281= (NM_001350560.2); and 1 more.
Identifiers: ClinVar variation 1674755 (VCV001674755.9), dbSNP rs371849825, ClinGen allele CA3940209.